The following is an entry in ClinVar:

NC_000001.10:g.(?_161284186)_(161332233_?)dup

Gene: SDHC (succinate dehydrogenase complex subunit C; plus strand). Cytogenetic location: 1q23.3.
Variant type: Duplication.
Identifiers: ClinVar variation 583465 (VCV000583465.3).

ClinVar aggregate classification (germline): Uncertain significance (1 of 4 stars; one submission).

Conditions:
Gastrointestinal stromal tumor. Also called: Gastrointestinal stromal tumor, somatic; Gastrointestinal stroma tumor. Identifiers: Orphanet 44890, MedGen C0238198, MeSH D046152, MONDO:0011719, OMIM 606764, HP:0100723.
Pheochromocytoma/paraganglioma syndrome 3. Also called: SDHC-Related Hereditary Paraganglioma-Pheochromocytoma Syndrome (Paragangliomas 3); SDHC-Related Hereditary Paraganglioma-Pheochromocytoma Syndrome; Paragangliomas 3; GLOMUS TUMORS, FAMILIAL, 3. Identifiers: Orphanet 29072, MedGen C1854336, MONDO:0011544, OMIM 605373.

Submission:

Labcorp Genetics (formerly Invitae), Labcorp
Classification: Uncertain significance for Paragangliomas 3; Gastrointestinal stroma tumor. Last evaluated: 2019-05-21. Review status: criteria provided, single submitter. Criteria: Invitae Variant Classification Sherloc (09022015). Collection method: clinical testing. Allele origin: germline.
Comment: This variant results in a copy number gain of the genomic region encompassing the full coding sequence of the SDHC gene. The boundaries of this event are unknown as they extend beyond the assayed region for this gene and therefore may encompass additional genes. As the precise location of this event is unknown, it may be in tandem or it may be located elsewhere in the genome. This variant has not been reported in the literature in individuals with SDHC-related disease. In summary, the available evidence is currently insufficient to determine the role of this variant in disease. Therefore, it has been classified as a Variant of Uncertain Significance.